The following is an entry in ClinVar:

NM_000038.6(APC):c.4011_4012delinsCT (p.Gln1338Ter)

Gene: APC (APC regulator of Wnt signaling pathway; plus strand). Cytogenetic location: 5q22.2.
Variant type: Indel.
Coding change: c.4011_4012delinsCT on transcript NM_000038.6 (MANE Select); coding-DNA positions 4011 to 4012, GC replaced by CT.
Protein change: p.Gln1338Ter; replaces glutamine 1338 with a stop codon.
Molecular consequence: nonsense. On other transcripts: non-coding transcript variant (2).
Genome position (GRCh38, 1-based): chr5:112,839,605-112,839,606, GC replaced by CT. VCF-style: chr5-112839605-GC-CT. GRCh37 (hg19) VCF-style: chr5-112175302-GC-CT.
Other names: c.4011_4012delinsCT, p.Gln1338Ter (NM_001127510.3, NM_001354895.2, NM_001407450.1); c.3957_3958delinsCT, p.Gln1320Ter (NM_001127511.3); c.4065_4066delinsCT, p.Gln1356Ter (NM_001354896.2, NM_001407447.1, NM_001407448.1 and 1 more transcripts); c.4041_4042delinsCT, p.Gln1348Ter (NM_001354897.2); c.3936_3937delinsCT, p.Gln1313Ter (NM_001354898.2); c.3927_3928delinsCT, p.Gln1310Ter (NM_001354899.2); c.3888_3889delinsCT, p.Gln1297Ter (NM_001354900.2); c.3834_3835delinsCT, p.Gln1279Ter (NM_001354901.2, NM_001407453.1); and 11 more; short protein forms Q1237*, Q1313*, Q1320*, Q1338*, Q1348*, Q954*, Q1055*, Q1297*.
Identifiers: ClinVar variation 2771592 (VCV002771592.3), dbSNP rs2533541682, ClinGen allele CA645543697.

ClinVar aggregate classification (germline): Pathogenic (1 of 4 stars; one submission).

Conditions:
Familial adenomatous polyposis 1 (FAP1). Also called: POLYPOSIS, ADENOMATOUS INTESTINAL; FAMILIAL ADENOMATOUS POLYPOSIS 1, ATTENUATED. Identifiers: MedGen C2713442, MONDO:0021056, OMIM 175100. Disease mechanism: loss of function.

Submission:

Labcorp Genetics (formerly Invitae), Labcorp
Classification: Pathogenic for Familial adenomatous polyposis 1. Last evaluated: 2023-10-24. Review status: criteria provided, single submitter. Criteria: Invitae Variant Classification Sherloc (09022015). Collection method: clinical testing. Allele origin: germline.
Comment: This sequence change creates a premature translational stop signal (p.Gln1338*) in the APC gene. While this is not anticipated to result in nonsense mediated decay, it is expected to disrupt the last 1506 amino acid(s) of the APC protein. Information on the frequency of this variant in the gnomAD database is not available, as this variant may be reported differently in the database. This variant has not been reported in the literature in individuals affected with APC-related conditions. This variant is expected to disrupt the EB1 and HDLG binding sites, which mediate interactions with the cytoskeleton (PMID: 15311282, 17293347). While functional studies have not been performed to directly test the effect on APC protein function, this suggests that disruption of the C-terminal portion of the protein is functionally important. A different truncation (p.Tyr2645Lysfs*14) that lies downstream of this variant has been determined to be pathogenic (PMID: 9824584, 1316610, 27081525, 8381579, 22135120, Invitae). This suggests that deletion of this region of the APC protein is causative of disease. For these reasons, this variant has been classified as Pathogenic.

Literature cited by the submitters: PubMed 15311282; PubMed 17293347; PubMed 9824584; PubMed 1316610; PubMed 27081525; PubMed 8381579; PubMed 22135120.